The following is an entry in ClinVar:

NM_001184.4(ATR):c.1009C>T (p.Leu337Phe)

Gene: ATR (ATR checkpoint kinase; minus strand). Cytogenetic location: 3q23.
Variant type: single nucleotide variant.
Coding change: c.1009C>T on transcript NM_001184.4 (MANE Select); coding-DNA position 1009, C replaced by T.
Protein change: p.Leu337Phe; replaces leucine 337 with phenylalanine.
Molecular consequence: missense variant.
Genome position (GRCh38, 1-based): chr3:142,562,393, G>A on the plus strand (C>T on the coding strand, the complement: ATR is on the minus strand). VCF-style: chr3-142562393-G-A. GRCh37 (hg19) VCF-style: chr3-142281235-G-A.
Other names: c.1009C>T, p.Leu337Phe (NM_001354579.2); short protein forms L337F.
Identifiers: ClinVar variation 3221031 (VCV003221031.1), dbSNP rs2473425809, ClinGen allele CA354824033.

ClinVar aggregate classification (germline): Uncertain significance (1 of 4 stars; one submission).

Conditions:
Inborn genetic diseases. Identifiers: MedGen C0950123, MeSH D030342.

Submission:

Ambry Genetics
Classification: Uncertain significance for Inborn genetic diseases. Last evaluated: 2024-02-28. Review status: criteria provided, single submitter. Criteria: Ambry Variant Classification Scheme 2023. Collection method: clinical testing. Allele origin: germline.
Comment: The p.L337F variant (also known as c.1009C>T), located in coding exon 4 of the ATR gene, results from a C to T substitution at nucleotide position 1009. The leucine at codon 337 is replaced by phenylalanine, an amino acid with highly similar properties. This amino acid position is conserved. In addition, this alteration is predicted to be tolerated by in silico analysis. Based on the available evidence, the clinical significance of this alteration remains unclear.